The following is an entry in ClinVar:

NM_002439.5(MSH3):c.2981T>C (p.Leu994Pro)

Gene: MSH3 (mutS homolog 3; plus strand). Cytogenetic location: 5q14.1.
Variant type: single nucleotide variant.
Coding change: c.2981T>C on transcript NM_002439.5 (MANE Select); coding-DNA position 2981, T replaced by C.
Protein change: p.Leu994Pro; replaces leucine 994 with proline.
Molecular consequence: missense variant.
Genome position (GRCh38, 1-based): chr5:80,854,297, T>C. VCF-style: chr5-80854297-T-C. GRCh37 (hg19) VCF-style: chr5-80150116-T-C.
Other names: short protein forms L994P.
Identifiers: ClinVar variation 4655036 (VCV004655036.1).

ClinVar aggregate classification (germline): Uncertain significance (1 of 4 stars; one submission).

Conditions:
Hereditary cancer-predisposing syndrome. Also called: Neoplastic Syndromes, Hereditary; Tumor predisposition; Hereditary Cancer Syndrome; Hereditary neoplastic syndrome. Identifiers: Orphanet 140162, MedGen C0027672, MeSH D009386, MONDO:0015356.

Submission:

Ambry Genetics
Classification: Uncertain significance for Hereditary cancer-predisposing syndrome. Last evaluated: 2025-12-10. Review status: criteria provided, single submitter. Criteria: Ambry Variant Classification Scheme 2023. Collection method: clinical testing. Allele origin: germline.
Comment: The p.L994P variant (also known as c.2981T>C), located in coding exon 21 of the MSH3 gene, results from a T to C substitution at nucleotide position 2981. The leucine at codon 994 is replaced by proline, an amino acid with similar properties. This amino acid position is conserved. In addition, this alteration is predicted to be deleterious by in silico analysis. Based on the available evidence, the clinical significance of this variant remains unclear.